The following is an entry in ClinVar:

ClinVar aggregate classification (germline): Benign/Likely benign. Review status: criteria provided, multiple submitters, no conflicts (2 of 4 stars). 6 submissions from 6 submitters: Benign (1); Likely benign (4). 1 of the submissions does not count toward it. Last evaluated 2025-04-14.

Conditions:
NOTCH3-related disorder. Also called: NOTCH3-related condition; NOTCH3-related disorders.
Cerebral arteriopathy, autosomal dominant, with subcortical infarcts and leukoencephalopathy, type 1 (CADASIL1). Also called: CADASIL 1; CASIL; Cerebral arteriopathy with subcortical infarcts and leukoencephalopathy 1; DEMENTIA, HEREDITARY MULTIINFARCT TYPE. Identifiers: Orphanet 136, MedGen C4551768, MONDO:0000914, OMIM 125310.

Allele frequency attached by ClinVar (database versions not stated): gnomAD 0.00028 and 0.00040; gnomAD exomes 0.00038 and 0.00099; TOPMed 0.00051; ExAC 0.00105; 1000 Genomes Project 30x 0.00141; 1000 Genomes Project 0.00160.
gnomAD v4.1: 613 of 1,613,950 alleles (0.038%); highest among the groups gnomAD compares: East Asian, 1.1%; 6 homozygotes.

Submissions (6):

Labcorp Genetics (formerly Invitae), Labcorp
Classification: Benign. Last evaluated: 2025-04-14. Review status: criteria provided, single submitter. Criteria: Invitae Variant Classification Sherloc (09022015). Collection method: clinical testing. Allele origin: germline.

Mayo Clinic Laboratories, Mayo Clinic
Classification: Likely benign. Last evaluated: 2024-12-30. Review status: criteria provided, single submitter. Criteria: ACMG Guidelines, 2015. Collection method: clinical testing. Allele origin: germline. Observed: 3 variant alleles.
Comment: BS1, BS2

Blueprint Genetics
Classification: Likely benign. Last evaluated: 2024-11-08. Review status: criteria provided, single submitter. Criteria: ACMG Guidelines, 2015. Collection method: clinical testing. Allele origin: germline.

ARUP Laboratories, Molecular Genetics and Genomics, ARUP Laboratories
Classification: Likely benign. Last evaluated: 2020-01-30. Review status: criteria provided, single submitter. Criteria: ARUP Molecular Germline Variant Investigation Process. Collection method: clinical testing. Allele origin: germline.

Illumina Laboratory Services, Illumina
Classification: Likely benign for Cerebral arteriopathy, autosomal dominant, with subcortical infarcts and leukoencephalopathy, type 1. Last evaluated: 2017-04-27. Review status: criteria provided, single submitter. Criteria: ICSL Variant Classification Criteria 13 December 2019. Collection method: clinical testing. Allele origin: germline.
Comment: This variant was observed as part of a predisposition screen in an ostensibly healthy population. A literature search was performed for the gene, cDNA change, and amino acid change (where applicable). Publications were found based on this search. The evidence from the literature, in combination with allele frequency data from public databases where available, was sufficient to determine this variant is unlikely to cause disease. Therefore, this variant is classified as likely benign.

PreventionGenetics, part of Exact Sciences
Classification: Likely benign for NOTCH3-related condition. Last evaluated: 2020-09-17. Review status: no assertion criteria provided. Collection method: clinical testing. Allele origin: germline. Not counted in ClinVar's aggregate classification.
Comment: This variant is classified as likely benign based on ACMG/AMP sequence variant interpretation guidelines (Richards et al. 2015 PMID: 25741868, with internal and published modifications).

Literature cited by the submitters: PubMed 24139282 (cited by Mayo Clinic Laboratories, Mayo Clinic and Illumina Laboratory Services, Illumina); PubMed 25105908 (cited by Mayo Clinic Laboratories, Mayo Clinic); PubMed 26002683 (cited by Mayo Clinic Laboratories, Mayo Clinic and Illumina Laboratory Services, Illumina); PubMed 31182772 (cited by Mayo Clinic Laboratories, Mayo Clinic); PubMed 31339861 (cited by Mayo Clinic Laboratories, Mayo Clinic); PubMed 31443546 (cited by Mayo Clinic Laboratories, Mayo Clinic); PubMed 33716917 (cited by Mayo Clinic Laboratories, Mayo Clinic); PubMed 33942994 (cited by Mayo Clinic Laboratories, Mayo Clinic); PubMed 39031358 (cited by Mayo Clinic Laboratories, Mayo Clinic); PubMed 39201482 (cited by Mayo Clinic Laboratories, Mayo Clinic).

NM_000435.3(NOTCH3):c.3523C>T (p.Arg1175Trp)

Gene: NOTCH3 (notch receptor 3; minus strand). Cytogenetic location: 19p13.12.
Variant type: single nucleotide variant.
Coding change: c.3523C>T on transcript NM_000435.3 (MANE Select); coding-DNA position 3523, C replaced by T.
Protein change: p.Arg1175Trp; replaces arginine 1175 with tryptophan.
Molecular consequence: missense variant.
Genome position (GRCh38, 1-based): chr19:15,179,220, G>A on the plus strand (C>T on the coding strand, the complement: NOTCH3 is on the minus strand). VCF-style: chr19-15179220-G-A. GRCh37 (hg19) VCF-style: chr19-15290031-G-A.
Other names: p.Arg1175Trp; short protein forms R1175W.
Identifiers: ClinVar variation 328395 (VCV000328395.24), dbSNP rs200504060, ClinGen allele CA9263060.
Genomic context (GRCh38, chr19:15,179,220, plus strand): 5'-GGGGACAGGTGCAGCGGAAACCACCCACCAGGTCCACGCAGGTGCCATTGTGTAGGCACC[G>A]GGGCCCTGAGTCCAGCGGTGGGCCTGGGCCGCAGTCATCCTCATTAATCTCGCAGAGCAC-3'
Protein context (NP_000426.2, residues 1165-1185): GPGPPLDSGP[Arg1175Trp]CLHNGTCVDL